The following is an entry in ClinVar:

NM_014244.5(ADAMTS2):c.634_637dup (p.Arg213fs)

Gene: ADAMTS2 (ADAM metallopeptidase with thrombospondin type 1 motif 2; minus strand). Cytogenetic location: 5q35.3.
Variant type: Duplication.
Coding change: c.634_637dup on transcript NM_014244.5 (MANE Select); coding-DNA positions 634 to 637, 4 bases duplicated (TATC; older notation c.634_637dupTATC).
Protein change: p.Arg213fs; shifts the reading frame from arginine 213.
Molecular consequence: frameshift variant.
Genome position (GRCh38, 1-based): chr5:179,272,962-179,272,965, GATA duplicated on the plus strand (TATC on the coding strand, the reverse complement: ADAMTS2 is on the minus strand). VCF-style (leftmost placement, unchanged base first): chr5-179272961-C-CGATA. GRCh37 (hg19) VCF-style: chr5-178699962-C-CGATA.
Other names: c.634_637dup, p.Arg213fs (NM_021599.4); short protein forms R213fs.
Identifiers: ClinVar variation 5013228 (VCV005013228.1).

ClinVar aggregate classification (germline): Pathogenic (1 of 4 stars; one submission).

Conditions:
Ehlers-Danlos syndrome, dermatosparaxis type. Also called: EDS VIIC; Dermatosparaxis; Ehlers-Danlos syndrome, type VII, autosomal recessive. Identifiers: Orphanet 1901, MedGen C2700425, MONDO:0009161, OMIM 225410.

Submission:

Myriad Genetics, Inc.
Classification: Pathogenic for Ehlers-Danlos syndrome, dermatosparaxis type. Last evaluated: 2024-06-23. Review status: criteria provided, single submitter. Criteria: Myriad Autosomal Dominant, Autosomal Recessive and X-Linked Classification Criteria (2023). Collection method: clinical testing. Allele origin: unknown.
Comment: NM_014244.4(ADAMTS2):c.634_637dupTATC(R213Lfs*54) is expected to be pathogenic in the context of Ehlers-Danlos syndrome, ADAMTS2-related. This variant is predicted to lead to an abnormal or absent protein product due to the creation of a premature termination codon in ADAMTS2, a gene where loss-of-function variants are known to be pathogenic. Please note: this variant was assessed in the context of healthy population screening.